The following is an entry in ClinVar:

ClinVar aggregate classification (germline): Uncertain significance. Review status: criteria provided, multiple submitters, no conflicts (2 of 4 stars). 2 submissions from 2 submitters: Uncertain significance (2). Last evaluated 2023-08-07.

Conditions:
Cardiovascular phenotype. Identifiers: MedGen CN230736.
Sitosterolemia (STSL). Also called: PHYTOSTEROLEMIA. Identifiers: Orphanet 2882, MedGen C0342907, MONDO:0008863.

gnomAD v4.1: 34 of 1,589,912 alleles (0.0021%); highest among the groups gnomAD compares: Non-Finnish European, 0.0028%; no homozygotes.

Submissions (2):

Labcorp Genetics (formerly Invitae), Labcorp
Classification: Uncertain significance for Sitosterolemia. Last evaluated: 2023-08-07. Review status: criteria provided, single submitter. Criteria: Invitae Variant Classification Sherloc (09022015). Collection method: clinical testing. Allele origin: germline.
Comment: In summary, the available evidence is currently insufficient to determine the role of this variant in disease. Therefore, it has been classified as a Variant of Uncertain Significance. An algorithm developed to predict the effect of missense changes on protein structure and function (PolyPhen-2) suggests that this variant¬¨‚Ä†is likely to be tolerated. ClinVar contains an entry for this variant (Variation ID: 1741261). This variant has not been reported in the literature in individuals affected with ABCG5-related conditions. The frequency data for this variant in the population databases is considered unreliable, as metrics indicate poor data quality at this position in the gnomAD database. This sequence change replaces threonine, which is neutral and polar, with serine, which is neutral and polar, at codon 151 of the ABCG5 protein (p.Thr151Ser).

Ambry Genetics
Classification: Uncertain significance for Cardiovascular phenotype. Last evaluated: 2023-08-04. Review status: criteria provided, single submitter. Criteria: Ambry Variant Classification Scheme 2023. Collection method: clinical testing. Allele origin: germline.

NM_022436.3(ABCG5):c.452C>G (p.Thr151Ser)

Gene: ABCG5 (ATP binding cassette subfamily G member 5; minus strand). Cytogenetic location: 2p21.
Variant type: single nucleotide variant.
Coding change: c.452C>G on transcript NM_022436.3 (MANE Select); coding-DNA position 452, C replaced by G.
Protein change: p.Thr151Ser; replaces threonine 151 with serine.
Molecular consequence: missense variant.
Genome position (GRCh38, 1-based): chr2:43,831,818, G>C on the plus strand (C>G on the coding strand, the complement: ABCG5 is on the minus strand). VCF-style: chr2-43831818-G-C. GRCh37 (hg19) VCF-style: chr2-44058957-G-C.
Other names: short protein forms T151S.
Identifiers: ClinVar variation 1741261 (VCV001741261.4), dbSNP rs1028572835, ClinGen allele CA46470446.